The following is an entry in ClinVar:

ClinVar aggregate classification (germline): Likely benign (1 of 4 stars; one submission).

Allele frequency attached by ClinVar (database versions not stated): gnomAD 0.00008; TOPMed 0.00011; ExAC 0.00017; 1000 Genomes Project 30x 0.00021; 1000 Genomes Project 0.00026.
gnomAD v4.1: 197 of 1,157,206 alleles (0.017%); highest among the groups gnomAD compares: Admixed American, 0.022%; no homozygotes.

Submission:

CeGaT Center for Human Genetics Tuebingen
Classification: Likely benign. Last evaluated: 2022-12-01. Review status: criteria provided, single submitter. Criteria: CeGaT Center For Human Genetics Tuebingen Variant Classification Criteria Version 2. Collection method: clinical testing. Allele origin: germline. Affected: yes. Observed: 1 variant allele.
Comment: LANCL3: BP4, BP7, BS2

NM_001170331.2(LANCL3):c.342C>T (p.Ala114=)

Gene: LANCL3 (LanC like family member 3; plus strand). Cytogenetic location: Xp21.1.
Variant type: single nucleotide variant.
Coding change: c.342C>T on transcript NM_001170331.2 (MANE Select); coding-DNA position 342, C replaced by T.
Protein change: p.Ala114=; no amino-acid change (alanine 114 retained).
Molecular consequence: synonymous variant.
Genome position (GRCh38, 1-based): chrX:37,572,212, C>T. VCF-style: chrX-37572212-C-T. GRCh37 (hg19) VCF-style: chrX-37431465-C-T.
Other names: c.342C>T, p.Ala114= (NM_198511.3).
Identifiers: ClinVar variation 2660280 (VCV002660280.24), dbSNP rs181309411, ClinGen allele CA10383333.